The following is an entry in ClinVar:

ClinVar aggregate classification (germline): Uncertain significance (1 of 4 stars; one submission).

Conditions:
Nephronophthisis 18 (NPHP18). Identifiers: Orphanet 655, MedGen C3890591, MONDO:0014374, OMIM 615862.

Allele frequency attached by ClinVar (database versions not stated): TOPMed 0.00001; gnomAD 0.00002.
gnomAD v4.1: 3 of 1,612,840 alleles (0.00019%); highest among the groups gnomAD compares: African/African-American, 0.004%; no homozygotes.

Submission:

Labcorp Genetics (formerly Invitae), Labcorp
Classification: Uncertain significance for Nephronophthisis 18. Last evaluated: 2022-02-04. Review status: criteria provided, single submitter. Criteria: Invitae Variant Classification Sherloc (09022015). Collection method: clinical testing. Allele origin: germline.
Comment: In summary, the available evidence is currently insufficient to determine the role of this variant in disease. Therefore, it has been classified as a Variant of Uncertain Significance. Algorithms developed to predict the effect of missense changes on protein structure and function output the following: SIFT: "Not Available"; PolyPhen-2: "Benign"; Align-GVGD: "Not Available". The isoleucine amino acid residue is found in multiple mammalian species, which suggests that this missense change does not adversely affect protein function. ClinVar contains an entry for this variant (Variation ID: 1044371). This variant has not been reported in the literature in individuals affected with CEP83-related conditions. This variant is not present in population databases (gnomAD no frequency). This sequence change replaces valine, which is neutral and non-polar, with isoleucine, which is neutral and non-polar, at codon 362 of the CEP83 protein (p.Val362Ile).

NM_016122.3(CEP83):c.1084G>A (p.Val362Ile)

Gene: CEP83 (centrosomal protein 83; minus strand). Cytogenetic location: 12q22.
Variant type: single nucleotide variant.
Coding change: c.1084G>A on transcript NM_016122.3 (MANE Select); coding-DNA position 1084, G replaced by A.
Protein change: p.Val362Ile; replaces valine 362 with isoleucine.
Molecular consequence: missense variant. On other transcripts: non-coding transcript variant (1).
Genome position (GRCh38, 1-based): chr12:94,368,166, C>T on the plus strand (G>A on the coding strand, the complement: CEP83 is on the minus strand). VCF-style: chr12-94368166-C-T. GRCh37 (hg19) VCF-style: chr12-94761942-C-T.
Other names: c.1084G>A, p.Val362Ile (NM_001042399.2, NM_001346457.2, NM_001368037.1 and 1 more transcripts); c.772G>A, p.Val258Ile (NM_001346458.2, NM_001346459.2, NM_001368039.1 and 1 more transcripts); c.859G>A, p.Val287Ile (NM_001368041.1); short protein forms V258I, V362I, V287I.
Identifiers: ClinVar variation 1044371 (VCV001044371.8), dbSNP rs1421579602, ClinGen allele CA386145888.